The following is an entry in ClinVar:

ClinVar aggregate classification (germline): Uncertain significance (1 of 4 stars; one submission).

Submission:

Labcorp Genetics (formerly Invitae), Labcorp
Classification: Uncertain significance. Last evaluated: 2022-06-22. Review status: criteria provided, single submitter. Criteria: Invitae Variant Classification Sherloc (09022015). Collection method: clinical testing. Allele origin: germline.
Comment: In summary, the available evidence is currently insufficient to determine the role of this variant in disease. Therefore, it has been classified as a Variant of Uncertain Significance. Algorithms developed to predict the effect of missense changes on protein structure and function are either unavailable or do not agree on the potential impact of this missense change (SIFT: "Deleterious"; PolyPhen-2: "Possibly Damaging"; Align-GVGD: "Class C0"). This variant has not been reported in the literature in individuals affected with ERBIN-related conditions. This variant is not present in population databases (gnomAD no frequency). This sequence change replaces arginine, which is basic and polar, with glycine, which is neutral and non-polar, at codon 1265 of the ERBIN protein (p.Arg1265Gly).

NM_001253697.2(ERBIN):c.3793A>G (p.Arg1265Gly)

Gene: ERBIN (erbb2 interacting protein; plus strand). Cytogenetic location: 5q12.3.
Variant type: single nucleotide variant.
Coding change: c.3793A>G on transcript NM_001253697.2 (MANE Select); coding-DNA position 3793, A replaced by G.
Protein change: p.Arg1265Gly; replaces arginine 1265 with glycine.
Molecular consequence: missense variant. On other transcripts: intron variant (1).
Genome position (GRCh38, 1-based): chr5:66,075,060, A>G. VCF-style: chr5-66075060-A-G. GRCh37 (hg19) VCF-style: chr5-65370888-A-G.
Other names: c.3670A>G, p.Arg1224Gly (NM_001253698.2, NM_018695.4); c.3814A>G, p.Arg1272Gly (NM_001253699.2); c.3658A>G, p.Arg1220Gly (NM_001253701.2); c.3634-1256A>G (NM_001006600.3); short protein forms R1220G, R1265G, R1272G, R1224G.
Identifiers: ClinVar variation 2007148 (VCV002007148.4), dbSNP rs2546884830, ClinGen allele CA359870977.
Genomic context (GRCh38, chr5:66,075,060, plus strand): 5'-TAAGATACTTCATGTTTTTCTTAGATGCCTTTGAGTAATGGACAGATGGGCCAGCCTCTC[A>G]GGCCTCAGGCAAATTATAGTCAAATACATCACCCCCCTCAGGCATCTGTGGCAAGGCATC-3'
Protein context (NP_001240626.1, residues 1255-1275): LSNGQMGQPL[Arg1265Gly]PQANYSQIHH